The following is an entry in ClinVar:

NM_000168.6(GLI3):c.4105G>A (p.Gly1369Ser)

Gene: GLI3 (GLI family zinc finger 3; minus strand). Cytogenetic location: 7p14.1.
Variant type: single nucleotide variant.
Coding change: c.4105G>A on transcript NM_000168.6 (MANE Select); coding-DNA position 4105, G replaced by A.
Protein change: p.Gly1369Ser; replaces glycine 1369 with serine.
Molecular consequence: missense variant.
Genome position (GRCh38, 1-based): chr7:41,964,968, C>T on the plus strand (G>A on the coding strand, the complement: GLI3 is on the minus strand). VCF-style: chr7-41964968-C-T. GRCh37 (hg19) VCF-style: chr7-42004566-C-T.
Other names: short protein forms G1369S.
Identifiers: ClinVar variation 2147421 (VCV002147421.4), dbSNP rs1446295282, ClinGen allele CA367315753.

ClinVar aggregate classification (germline): Uncertain significance (1 of 4 stars; one submission).

Conditions:
Pallister-Hall syndrome (PHS). Also called: HYPOTHALAMIC HAMARTOBLASTOMA, HYPOPITUITARISM, IMPERFORATE ANUS, AND POSTAXIAL POLYDACTYLY; GLI3-Related Pallister-Hall Syndrome. Identifiers: Orphanet 672, MedGen C0265220, MONDO:0007804, OMIM 146510.
Greig cephalopolysyndactyly syndrome (GCPS). Also called: Greig syndrome; GLI3-Related Greig Cephalopolysyndactyly Syndrome; POLYSYNDACTYLY WITH PECULIAR SKULL SHAPE. Identifiers: Orphanet 380, MedGen C0265306, MONDO:0008287, OMIM 175700.

Allele frequency attached by ClinVar (database versions not stated): gnomAD exomes 0.00001.
gnomAD v4.1: 14 of 1,613,680 alleles (0.00087%); highest among the groups gnomAD compares: Middle Eastern, 0.082%; no homozygotes.

Submission:

Labcorp Genetics (formerly Invitae), Labcorp
Classification: Uncertain significance for Pallister-Hall syndrome; Greig cephalopolysyndactyly syndrome. Last evaluated: 2022-02-24. Review status: criteria provided, single submitter. Criteria: Invitae Variant Classification Sherloc (09022015). Collection method: clinical testing. Allele origin: germline.
Comment: This sequence change replaces glycine, which is neutral and non-polar, with serine, which is neutral and polar, at codon 1369 of the GLI3 protein (p.Gly1369Ser). This variant is present in population databases (no rsID available, gnomAD 0.0009%). This variant has not been reported in the literature in individuals affected with GLI3-related conditions. Algorithms developed to predict the effect of missense changes on protein structure and function output the following: SIFT: "Tolerated"; PolyPhen-2: "Benign"; Align-GVGD: "Class C0". The serine amino acid residue is found in multiple mammalian species, which suggests that this missense change does not adversely affect protein function. In summary, the available evidence is currently insufficient to determine the role of this variant in disease. Therefore, it has been classified as a Variant of Uncertain Significance.